The following is an entry in ClinVar:

NM_001365896.1(NACA):c.3588A>G (p.Thr1196=)

Gene: NACA (nascent polypeptide associated complex subunit alpha; minus strand). Cytogenetic location: 12q13.3.
Variant type: single nucleotide variant.
Coding change: c.3588A>G on transcript NM_001365896.1 (MANE Select); coding-DNA position 3588, A replaced by G.
Protein change: p.Thr1196=; no amino-acid change (threonine 1196 retained).
Molecular consequence: synonymous variant. On other transcripts: intron variant (6).
Genome position (GRCh38, 1-based): chr12:56,717,942, T>C on the plus strand (A>G on the coding strand, the complement: NACA is on the minus strand). VCF-style: chr12-56717942-T-C. GRCh37 (hg19) VCF-style: chr12-57111726-T-C.
Other names: c.71-3255A>G (NM_001113202.2, NM_001320194.2, NM_001320193.2 and 2 more transcripts); c.1864+1595A>G (NM_001113203.3).
Identifiers: ClinVar variation 4280878 (VCV004280878.7).

ClinVar aggregate classification (germline): Likely benign (1 of 4 stars; one submission).

Submission:

CeGaT Center for Human Genetics Tuebingen
Classification: Likely benign. Last evaluated: 2025-12-01. Review status: criteria provided, single submitter. Criteria: CeGaT Center For Human Genetics Tuebingen Variant Classification Criteria Version 2. Collection method: clinical testing. Allele origin: germline. Affected: yes. Observed: 2 variant alleles.
Comment: NACA: PM2:Supporting, BP4, BP7